The following is an entry in ClinVar:

ClinVar aggregate classification (germline): Uncertain significance (1 of 4 stars; one submission).

Allele frequency attached by ClinVar (database versions not stated): gnomAD exomes 0.00002; TOPMed 0.00001.

Submission:

Labcorp Genetics (formerly Invitae), Labcorp
Classification: Uncertain significance. Last evaluated: 2021-09-24. Review status: criteria provided, single submitter. Criteria: Invitae Variant Classification Sherloc (09022015). Collection method: clinical testing. Allele origin: germline.
Comment: This sequence change replaces glycine with alanine at codon 66 of the PAX1 protein (p.Gly66Ala). The glycine residue is weakly conserved and there is a small physicochemical difference between glycine and alanine. The frequency data for this variant in the population databases is considered unreliable, as metrics indicate insufficient coverage at this position in the ExAC database. This variant has not been reported in the literature in individuals with PAX1-related conditions. Algorithms developed to predict the effect of missense changes on protein structure and function (SIFT, PolyPhen-2, Align-GVGD) all suggest that this variant is likely to be tolerated, but these predictions have not been confirmed by published functional studies and their clinical significance is uncertain. In summary, the available evidence is currently insufficient to determine the role of this variant in disease. Therefore, it has been classified as a Variant of Uncertain Significance.

NM_001257096.2(PAX1):c.197G>C (p.Gly66Ala)

Gene: PAX1 (paired box 1; plus strand). Cytogenetic location: 20p11.22.
Variant type: single nucleotide variant.
Coding change: c.197G>C on transcript NM_001257096.2 (MANE Select); coding-DNA position 197, G replaced by C.
Protein change: p.Gly66Ala; replaces glycine 66 with alanine.
Molecular consequence: missense variant.
Genome position (GRCh38, 1-based): chr20:21,705,909, G>C. VCF-style: chr20-21705909-G-C. GRCh37 (hg19) VCF-style: chr20-21686547-G-C.
Other names: c.197G>C, p.Gly66Ala (NM_006192.5); short protein forms G66A.
Identifiers: ClinVar variation 1391894 (VCV001391894.5), dbSNP rs1300411293, ClinGen allele CA408497050.
Genomic context (GRCh38, chr20:21,705,909, plus strand): 5'-GCCGCCGCGGCTCTCGGCTCTCGGGCGCCCTCCCTCTATGCCTCTCACGCGGCGGCGGCG[G>C]CGCCCAAGCTCTCCCGGACTGCGCCGGGCCCAGCCCCGGCCACCCCGGCCACCCCGGCGC-3'
Protein context (NP_001244025.1, residues 56-76): LPLCLSRGGG[Gly66Ala]AQALPDCAGP